The following is an entry in ClinVar:

NM_199334.5(THRA):c.668C>T (p.Thr223Ile)

Gene: THRA (thyroid hormone receptor alpha; plus strand). Cytogenetic location: 17q21.1.
Variant type: single nucleotide variant.
Coding change: c.668C>T on transcript NM_199334.5 (MANE Select); coding-DNA position 668, C replaced by T.
Protein change: p.Thr223Ile; replaces threonine 223 with isoleucine.
Molecular consequence: missense variant.
Genome position (GRCh38, 1-based): chr17:40,086,798, C>T. VCF-style: chr17-40086798-C-T. GRCh37 (hg19) VCF-style: chr17-38243051-C-T.
Other names: c.668C>T, p.Thr223Ile (NM_001190918.2, NM_001190919.2, NM_003250.6); short protein forms T223I.
Identifiers: ClinVar variation 3370184 (VCV003370184.1).
Genomic context (GRCh38, chr17:40,086,798, plus strand): 5'-CCATGCCGGACGGAGACAAGGTGGACCTGGAAGCCTTCAGCGAGTTTACCAAGATCATCA[C>T]CCCGGCCATCACCCGTGTGGTGGACTTTGCCAAAAAACTGCCCATGTTCTCCGAGGTGAG-3'
Protein context (NP_955366.1, residues 213-233): EAFSEFTKII[Thr223Ile]PAITRVVDFA

ClinVar aggregate classification (germline): Uncertain significance (1 of 4 stars; one submission).

Submission:

GeneDx
Classification: Uncertain significance. Last evaluated: 2023-12-21. Review status: criteria provided, single submitter. Criteria: GeneDx Variant Classification Process June 2021. Collection method: clinical testing. Allele origin: germline. Affected: yes.
Comment: Not observed at significant frequency in large population cohorts (gnomAD); In silico analysis supports that this missense variant has a deleterious effect on protein structure/function; Has not been previously published as pathogenic or benign to our knowledge